The following is an entry in ClinVar:

NM_004369.4(COL6A3):c.8435T>C (p.Phe2812Ser)

Gene: COL6A3 (collagen type VI alpha 3 chain; minus strand). Cytogenetic location: 2q37.3.
Variant type: single nucleotide variant.
Coding change: c.8435T>C on transcript NM_004369.4 (MANE Select); coding-DNA position 8435, T replaced by C.
Protein change: p.Phe2812Ser; replaces phenylalanine 2812 with serine.
Molecular consequence: missense variant.
Genome position (GRCh38, 1-based): chr2:237,340,481, A>G on the plus strand (T>C on the coding strand, the complement: COL6A3 is on the minus strand). VCF-style: chr2-237340481-A-G. GRCh37 (hg19) VCF-style: chr2-238249124-A-G.
Other names: c.6614T>C, p.Phe2205Ser (NM_057166.5); c.7817T>C, p.Phe2606Ser (NM_057167.4); short protein forms F2205S, F2606S, F2812S.
Identifiers: ClinVar variation 4686866 (VCV004686866.1).

ClinVar aggregate classification (germline): Uncertain significance (1 of 4 stars; one submission).

Submission:

GeneDx
Classification: Uncertain significance. Last evaluated: 2025-07-23. Review status: criteria provided, single submitter. Criteria: GeneDx Variant Classification Process June 2021. Collection method: clinical testing. Allele origin: germline. Affected: yes.
Comment: Not observed at significant frequency in large population cohorts (gnomAD); In silico analysis supports that this missense variant has a deleterious effect on protein structure/function; Has not been previously published as pathogenic or benign to our knowledge